The following is an entry in ClinVar:

NM_005559.4(LAMA1):c.6860A>G (p.Tyr2287Cys)

Gene: LAMA1 (laminin subunit alpha 1; minus strand). Cytogenetic location: 18p11.31.
Variant type: single nucleotide variant.
Coding change: c.6860A>G on transcript NM_005559.4 (MANE Select); coding-DNA position 6860, A replaced by G.
Protein change: p.Tyr2287Cys; replaces tyrosine 2287 with cysteine.
Molecular consequence: missense variant.
Genome position (GRCh38, 1-based): chr18:6,971,896, T>C on the plus strand (A>G on the coding strand, the complement: LAMA1 is on the minus strand). VCF-style: chr18-6971896-T-C. GRCh37 (hg19) VCF-style: chr18-6971895-T-C.
Other names: short protein forms Y2287C.
Identifiers: ClinVar variation 1510398 (VCV001510398.6), dbSNP rs375511472, ClinGen allele CA8881103.

ClinVar aggregate classification (germline): Uncertain significance (1 of 4 stars; one submission).

Allele frequency attached by ClinVar (database versions not stated): ESP Exome Variant Server 0.00008; gnomAD exomes 0.00003; TOPMed 0.00002; ExAC 0.00002.
gnomAD v4.1: 26 of 1,614,064 alleles (0.0016%); highest among the groups gnomAD compares: Admixed American, 0.012%; no homozygotes.

Submission:

Labcorp Genetics (formerly Invitae), Labcorp
Classification: Uncertain significance. Last evaluated: 2022-11-22. Review status: criteria provided, single submitter. Criteria: Invitae Variant Classification Sherloc (09022015). Collection method: clinical testing. Allele origin: germline.
Comment: Advanced modeling of protein sequence and biophysical properties (such as structural, functional, and spatial information, amino acid conservation, physicochemical variation, residue mobility, and thermodynamic stability) performed at Invitae indicates that this missense variant is not expected to disrupt LAMA1 protein function. In summary, the available evidence is currently insufficient to determine the role of this variant in disease. Therefore, it has been classified as a Variant of Uncertain Significance. ClinVar contains an entry for this variant (Variation ID: 1510398). This variant has not been reported in the literature in individuals affected with LAMA1-related conditions. This variant is present in population databases (rs375511472, gnomAD 0.01%). This sequence change replaces tyrosine, which is neutral and polar, with cysteine, which is neutral and slightly polar, at codon 2287 of the LAMA1 protein (p.Tyr2287Cys).